The following is an entry in ClinVar:

NM_014254.3(RXYLT1):c.947del (p.Lys316fs)

Gene: RXYLT1 (ribitol xylosyltransferase 1; plus strand). Cytogenetic location: 12q14.2.
Variant type: Deletion.
Coding change: c.947del on transcript NM_014254.3 (MANE Select); coding-DNA position 947, one base deleted (A; older notation c.947delA).
Protein change: p.Lys316fs; shifts the reading frame from lysine 316.
Molecular consequence: frameshift variant.
Genome position (GRCh38, 1-based): chr12:63,808,707, A deleted; the last of 2 consecutive A bases (chr12:63,808,706-63,808,707); deleting either gives the same sequence. VCF-style (leftmost placement, unchanged base first): chr12-63808705-TA-T. GRCh37 (hg19) VCF-style: chr12-64202485-TA-T.
Other names: c.167del, p.Lys56fs (NM_001278237.2); short protein forms K316fs, K56fs.
Identifiers: ClinVar variation 2172075 (VCV002172075.4), dbSNP rs1898369371, ClinGen allele CA2041839955.

ClinVar aggregate classification (germline): Pathogenic (1 of 4 stars; one submission).

Submission:

Labcorp Genetics (formerly Invitae), Labcorp
Classification: Pathogenic. Last evaluated: 2025-03-13. Review status: criteria provided, single submitter. Criteria: Invitae Variant Classification Sherloc (09022015). Collection method: clinical testing. Allele origin: germline.
Comment: This sequence change creates a premature translational stop signal (p.Lys316Argfs*19) in the RXYLT1 gene. While this is not anticipated to result in nonsense mediated decay, it is expected to disrupt the last 128 amino acid(s) of the RXYLT1 protein. This variant is not present in population databases (gnomAD no frequency). This variant has not been reported in the literature in individuals affected with RXYLT1-related conditions. ClinVar contains an entry for this variant (Variation ID: 2172075). This variant disrupts a region of the RXYLT1 protein in which other variant(s) (p.Tyr339Cys) have been determined to be pathogenic (PMID: 23217329, 27733679). This suggests that this is a clinically significant region of the protein, and that variants that disrupt it are likely to be disease-causing. For these reasons, this variant has been classified as Pathogenic.

Literature cited by the submitters: PubMed 23217329; PubMed 27733679.